The following is an entry in ClinVar:

NM_001329.4(CTBP2):c.58+12100C>T

Gene: CTBP2 (C-terminal binding protein 2; minus strand). Cytogenetic location: 10q26.13.
Variant type: single nucleotide variant.
Coding change: c.58+12100C>T on transcript NM_001329.4 (MANE Select); 12100 bases into the intron after coding-DNA position 58, C replaced by T.
Molecular consequence: intron variant. On other transcripts: missense variant (1).
Genome position (GRCh38, 1-based): chr10:125,026,897, G>A on the plus strand (C>T on the coding strand, the complement: CTBP2 is on the minus strand). VCF-style: chr10-125026897-G-A. GRCh37 (hg19) VCF-style: chr10-126715466-G-A.
Other names: c.863C>T, p.Thr288Ile (NM_022802.3); c.58+12100C>T (NM_001083914.3, NM_001290214.3, NM_001321012.2 and 3 more transcripts); short protein forms T288I.
Identifiers: ClinVar variation 2640953 (VCV002640953.24), dbSNP rs74163315, ClinGen allele CA5736415.

ClinVar aggregate classification (germline): Likely benign (1 of 4 stars; one submission).

Allele frequency attached by ClinVar (database versions not stated): ExAC 0.00040; 1000 Genomes Project 30x 0.00062; 1000 Genomes Project 0.00080; gnomAD 0.00146; TOPMed 0.00156; ESP Exome Variant Server 0.00185.
gnomAD v4.1: 415 of 1,614,020 alleles (0.026%); highest among the groups gnomAD compares: African/African-American, 0.49%; no homozygotes.

Submission:

CeGaT Center for Human Genetics Tuebingen
Classification: Likely benign. Last evaluated: 2022-04-01. Review status: criteria provided, single submitter. Criteria: CeGaT Center For Human Genetics Tuebingen Variant Classification Criteria Version 2. Collection method: clinical testing. Allele origin: germline. Affected: yes. Observed: 1 variant allele.
Comment: CTBP2: BP4